The following is an entry in ClinVar:

NM_198253.3(TERT):c.875C>G (p.Thr292Arg)

Gene: TERT (telomerase reverse transcriptase; minus strand). Cytogenetic location: 5p15.33.
Variant type: single nucleotide variant.
Coding change: c.875C>G on transcript NM_198253.3 (MANE Select); coding-DNA position 875, C replaced by G.
Protein change: p.Thr292Arg; replaces threonine 292 with arginine.
Molecular consequence: missense variant. On other transcripts: non-coding transcript variant (2).
Genome position (GRCh38, 1-based): chr5:1,294,011, G>C on the plus strand (C>G on the coding strand, the complement: TERT is on the minus strand). VCF-style: chr5-1294011-G-C. GRCh37 (hg19) VCF-style: chr5-1294126-G-C.
Other names: c.875C>G, p.Thr292Arg (NM_001193376.3); short protein forms T292R.
Identifiers: ClinVar variation 904814 (VCV000904814.13), dbSNP rs1751193051, ClinGen allele CA359056366.

ClinVar aggregate classification (germline): Uncertain significance. Review status: criteria provided, multiple submitters, no conflicts (2 of 4 stars). 6 submissions from 4 submitters: Uncertain significance (6). Last evaluated 2025-10-30.

Conditions:
Pulmonary fibrosis and/or bone marrow failure, Telomere-related, 1. Also called: PULMONARY FIBROSIS AND/OR BONE MARROW FAILURE SYNDROME, TELOMERE-RELATED, 1. Identifiers: Orphanet 88, MedGen C3553617, MONDO:0013878, OMIM 614742.
Dyskeratosis congenita. Identifiers: Orphanet 1775, MedGen C0265965, MONDO:0015780.
Dyskeratosis congenita, autosomal dominant 2. Identifiers: MedGen C3151443, MONDO:0013521, OMIM 613989.
Idiopathic Pulmonary Fibrosis. Also called: Idiopathic fibrosing alveolitis, chronic form; idiopathic fibrosing alveolitis. Identifiers: Orphanet 2032, MedGen C1800706, MeSH D054990, MONDO:0800504.
Aplastic anemia. Identifiers: Orphanet 182040, Orphanet 88, MedGen C0002874, MONDO:0015909, OMIM 609135, HP:0001915.

gnomAD v4.1: 1 of 1,586,736 alleles (0.000063%); highest among the groups gnomAD compares: Non-Finnish European, 0.000086%; no homozygotes.

Submissions (6):

Ambry Genetics
Classification: Uncertain significance for Dyskeratosis congenita. Last evaluated: 2025-10-30. Review status: criteria provided, single submitter. Criteria: Ambry Variant Classification Scheme 2023. Collection method: clinical testing. Allele origin: germline.
Comment: The p.T292R variant (also known as c.875C>G), located in coding exon 2 of the TERT gene, results from a C to G substitution at nucleotide position 875. The threonine at codon 292 is replaced by arginine, an amino acid with similar properties. This amino acid position is conserved. In addition, this alteration is predicted to be tolerated by in silico analysis. Based on the available evidence, the clinical significance of this variant remains unclear.

GeneDx
Classification: Uncertain significance. Last evaluated: 2023-02-15. Review status: criteria provided, single submitter. Criteria: GeneDx Variant Classification Process June 2021. Collection method: clinical testing. Allele origin: germline. Affected: yes.
Comment: Not observed at significant frequency in large population cohorts (gnomAD); In silico analysis supports that this missense variant does not alter protein structure/function; Has not been previously published as pathogenic or benign to our knowledge

Labcorp Genetics (formerly Invitae), Labcorp
Classification: Uncertain significance for Dyskeratosis congenita, autosomal dominant 2; Idiopathic Pulmonary Fibrosis. Last evaluated: 2021-03-23. Review status: criteria provided, single submitter. Criteria: Invitae Variant Classification Sherloc (09022015). Collection method: clinical testing. Allele origin: germline.
Comment: In summary, the available evidence is currently insufficient to determine the role of this variant in disease. Therefore, it has been classified as a Variant of Uncertain Significance. Algorithms developed to predict the effect of sequence changes on RNA splicing suggest that this variant may create or strengthen a splice site, but this prediction has not been confirmed by published transcriptional studies. This sequence change replaces threonine with arginine at codon 292 of the TERT protein (p.Thr292Arg). The threonine residue is weakly conserved and there is a moderate physicochemical difference between threonine and arginine. This variant is not present in population databases (ExAC no frequency). This variant has not been reported in the literature in individuals with TERT-related conditions. ClinVar contains an entry for this variant (Variation ID: 904814). Advanced modeling of protein sequence and biophysical properties (such as structural, functional, and spatial information, amino acid conservation, physicochemical variation, residue mobility, and thermodynamic stability) performed at Invitae indicates that this missense variant is not expected to disrupt TERT protein function.

Illumina Laboratory Services, Illumina
Classification: Uncertain significance for Dyskeratosis congenita, autosomal dominant 2. Last evaluated: 2018-01-13. Review status: criteria provided, single submitter. Criteria: ICSL Variant Classification Criteria 13 December 2019. Collection method: clinical testing. Allele origin: germline.

Illumina Laboratory Services, Illumina
Classification: Uncertain significance for Aplastic anemia. Last evaluated: 2018-01-13. Review status: criteria provided, single submitter. Criteria: ICSL Variant Classification Criteria 13 December 2019. Collection method: clinical testing. Allele origin: germline.

Illumina Laboratory Services, Illumina
Classification: Uncertain significance for Pulmonary fibrosis and/or bone marrow failure, Telomere-related, 1. Last evaluated: 2018-01-13. Review status: criteria provided, single submitter. Criteria: ICSL Variant Classification Criteria 13 December 2019. Collection method: clinical testing. Allele origin: germline.